The following is an entry in ClinVar:

ClinVar aggregate classification (germline): Uncertain significance (1 of 4 stars; one submission).

Conditions:
Hereditary cancer-predisposing syndrome. Also called: Neoplastic Syndromes, Hereditary; Tumor predisposition; Hereditary Cancer Syndrome; Hereditary neoplastic syndrome. Identifiers: Orphanet 140162, MedGen C0027672, MeSH D009386, MONDO:0015356.

Submission:

Ambry Genetics
Classification: Uncertain significance for Hereditary cancer-predisposing syndrome. Last evaluated: 2025-10-12. Review status: criteria provided, single submitter. Criteria: Ambry Variant Classification Scheme 2023. Collection method: clinical testing. Allele origin: germline.
Comment: The p.Q83R variant (also known as c.248A>G), located in coding exon 1 of the CHEK2 gene, results from an A to G substitution at nucleotide position 248. The glutamine at codon 83 is replaced by arginine, an amino acid with highly similar properties. This amino acid position is conserved. In addition, this alteration is predicted to be tolerated by in silico analysis. Based on the available evidence, the clinical significance of this variant remains unclear.

NM_007194.4(CHEK2):c.248A>G (p.Gln83Arg)

Gene: CHEK2 (checkpoint kinase 2; minus strand). Cytogenetic location: 22q12.1.
Variant type: single nucleotide variant.
Coding change: c.248A>G on transcript NM_007194.4 (MANE Select); coding-DNA position 248, A replaced by G.
Protein change: p.Gln83Arg; replaces glutamine 83 with arginine.
Molecular consequence: missense variant. On other transcripts: 5 prime UTR variant (1), intron variant (1).
Genome position (GRCh38, 1-based): chr22:28,734,474, T>C on the plus strand (A>G on the coding strand, the complement: CHEK2 is on the minus strand). VCF-style: chr22-28734474-T-C. GRCh37 (hg19) VCF-style: chr22-29130462-T-C.
Other names: c.248A>G, p.Gln83Arg (NM_001005735.3, NM_001349956.3, NM_001438293.1 and 3 more transcripts); c.-530A>G (NM_001257387.3); c.-345+7295A>G (NM_001437942.1); short protein forms Q83R.
Identifiers: ClinVar variation 4634834 (VCV004634834.1).